The following is an entry in ClinVar:

ClinVar aggregate classification (germline): Uncertain significance (1 of 4 stars; one submission).

Conditions:
Hereditary cancer-predisposing syndrome. Also called: Neoplastic Syndromes, Hereditary; Tumor predisposition; Hereditary Cancer Syndrome; Hereditary neoplastic syndrome. Identifiers: Orphanet 140162, MedGen C0027672, MeSH D009386, MONDO:0015356.

Submission:

Ambry Genetics
Classification: Uncertain significance for Hereditary cancer-predisposing syndrome. Last evaluated: 2026-03-06. Review status: criteria provided, single submitter. Criteria: Ambry Variant Classification Scheme 2023. Collection method: clinical testing. Allele origin: germline.
Comment: The p.Q464* variant (also known as c.1390C>T), located in coding exon 2 of the MET gene, results from a C to T substitution at nucleotide position 1390. This changes the amino acid from a glutamine to a stop codon within coding exon 2. This variant is expected to result in protein truncation or nonsense-mediated mRNA decay. However, loss of function has not been established as a mechanism of disease. Based on the available evidence, the clinical significance of this variant remains unclear.

NM_000245.4(MET):c.1390C>T (p.Gln464Ter)

Gene: MET (MET proto-oncogene, receptor tyrosine kinase; plus strand). Cytogenetic location: 7q31.2.
Variant type: single nucleotide variant.
Coding change: c.1390C>T on transcript NM_000245.4 (MANE Select); coding-DNA position 1390, C replaced by T.
Protein change: p.Gln464Ter; replaces glutamine 464 with a stop codon.
Molecular consequence: nonsense.
Genome position (GRCh38, 1-based): chr7:116,731,857, C>T. VCF-style: chr7-116731857-C-T. GRCh37 (hg19) VCF-style: chr7-116371911-C-T.
Other names: c.1390C>T, p.Gln464Ter (NM_001127500.3, NM_001324401.3); c.100C>T, p.Gln34Ter (NM_001324402.2); short protein forms Q464*, Q34*.
Identifiers: ClinVar variation 4827492 (VCV004827492.1).
Genomic context (GRCh38, chr7:116,731,857, plus strand): 5'-ACCTTCATTAAAGGAGACCTCACCATAGCTAATCTTGGGACATCAGAGGGTCGCTTCATG[C>T]AGGTAAGTGCTTTCTGAGAGTAGCTGTGTCTGTTCTATCTGGTATTGTGCAATTAATTTG-3'